The following is an entry in ClinVar:

NM_001013838.3(CARMIL2):c.2276C>G (p.Ala759Gly)

Gene: CARMIL2 (capping protein regulator and myosin 1 linker 2; plus strand). Cytogenetic location: 16q22.1.
Variant type: single nucleotide variant.
Coding change: c.2276C>G on transcript NM_001013838.3 (MANE Select); coding-DNA position 2276, C replaced by G.
Protein change: p.Ala759Gly; replaces alanine 759 with glycine.
Molecular consequence: missense variant.
Genome position (GRCh38, 1-based): chr16:67,651,278, C>G. VCF-style: chr16-67651278-C-G. GRCh37 (hg19) VCF-style: chr16-67685181-C-G.
Other names: c.2168C>G, p.Ala723Gly (NM_001317026.3); short protein forms A759G, A723G.
Identifiers: ClinVar variation 1513886 (VCV001513886.5), dbSNP rs181904109, ClinGen allele CA8113733.

ClinVar aggregate classification (germline): Uncertain significance (1 of 4 stars; one submission).

Allele frequency attached by ClinVar (database versions not stated): gnomAD exomes 0.00001 and 0.00002; TOPMed 0.00001; ExAC 0.00003; gnomAD 0.00003; 1000 Genomes Project 0.00100; 1000 Genomes Project 30x 0.00109.
gnomAD v4.1: 9 of 1,613,640 alleles (0.00056%); highest among the groups gnomAD compares: Admixed American, 0.015%; no homozygotes.

Submission:

Labcorp Genetics (formerly Invitae), Labcorp
Classification: Uncertain significance. Last evaluated: 2022-08-03. Review status: criteria provided, single submitter. Criteria: Invitae Variant Classification Sherloc (09022015). Collection method: clinical testing. Allele origin: germline.
Comment: This sequence change replaces alanine, which is neutral and non-polar, with glycine, which is neutral and non-polar, at codon 759 of the CARMIL2 protein (p.Ala759Gly). This variant is present in population databases (rs181904109, gnomAD 0.01%). This variant has not been reported in the literature in individuals affected with CARMIL2-related conditions. ClinVar contains an entry for this variant (Variation ID: 1513886). Algorithms developed to predict the effect of missense changes on protein structure and function are either unavailable or do not agree on the potential impact of this missense change (SIFT: "Deleterious"; PolyPhen-2: "Probably Damaging"; Align-GVGD: "Class C0"). In summary, the available evidence is currently insufficient to determine the role of this variant in disease. Therefore, it has been classified as a Variant of Uncertain Significance.